The following is an entry in ClinVar:

ClinVar aggregate classification (germline): Benign/Likely benign. Review status: criteria provided, multiple submitters, no conflicts (2 of 4 stars). 3 submissions from 3 submitters: Benign (1); Likely benign (2). Last evaluated 2025-12-15.

Conditions:
Hereditary cancer-predisposing syndrome. Also called: Tumor predisposition; Hereditary Cancer Syndrome; Hereditary neoplastic syndrome; Neoplastic Syndromes, Hereditary. Identifiers: Orphanet 140162, MedGen C0027672, MeSH D009386, MONDO:0015356.
Familial cancer of breast. Also called: BREAST CANCER, FAMILIAL; Hereditary breast cancer; hereditary breast carcinoma. Identifiers: Orphanet 227535, MedGen C0346153, MONDO:0016419, OMIM 114480. Disease mechanism: loss of function.

Submissions (3):

Ambry Genetics
Classification: Likely benign for Hereditary cancer-predisposing syndrome. Last evaluated: 2025-12-15. Review status: criteria provided, single submitter. Criteria: Ambry Variant Classification Scheme 2023. Collection method: clinical testing. Allele origin: germline.

Myriad Genetics, Inc.
Classification: Benign for Familial cancer of breast. Last evaluated: 2024-10-07. Review status: criteria provided, single submitter. Criteria: Myriad Autosomal Dominant, Autosomal Recessive and X-Linked Classification Criteria (2023). Collection method: clinical testing. Allele origin: unknown.
Comment: This variant is considered benign. This variant is a silent/synonymous amino acid change and it is not expected to impact splicing.

Labcorp Genetics (formerly Invitae), Labcorp
Classification: Likely benign for Familial cancer of breast. Last evaluated: 2022-03-15. Review status: criteria provided, single submitter. Criteria: Invitae Variant Classification Sherloc (09022015). Collection method: clinical testing. Allele origin: germline.

NM_007194.4(CHEK2):c.1275A>G (p.Pro425=)

Gene: CHEK2 (checkpoint kinase 2; minus strand). Cytogenetic location: 22q12.1.
Variant type: single nucleotide variant.
Coding change: c.1275A>G on transcript NM_007194.4 (MANE Select); coding-DNA position 1275, A replaced by G.
Protein change: p.Pro425=; no amino-acid change (proline 425 retained).
Molecular consequence: synonymous variant.
Genome position (GRCh38, 1-based): chr22:28,695,227, T>C on the plus strand (A>G on the coding strand, the complement: CHEK2 is on the minus strand). VCF-style: chr22-28695227-T-C. GRCh37 (hg19) VCF-style: chr22-29091215-T-C.
Other names: c.1404A>G, p.Pro468= (NM_001005735.3); c.612A>G, p.Pro204= (NM_001257387.3); c.1074A>G, p.Pro358= (NM_001349956.3); c.1188A>G, p.Pro396= (NM_145862.3); c.1275A>G (NM_007194.3).
Identifiers: ClinVar variation 1575750 (VCV001575750.11), dbSNP rs28601856, ClinGen allele CA513944842.